The following is an entry in ClinVar:

ClinVar aggregate classification (germline): Uncertain significance. Review status: criteria provided, multiple submitters, no conflicts (2 of 4 stars). 2 submissions from 2 submitters: Uncertain significance (2). Last evaluated 2025-05-05.

Conditions:
Familial adenomatous polyposis 1 (FAP1). Also called: FAMILIAL ADENOMATOUS POLYPOSIS 1, ATTENUATED; POLYPOSIS, ADENOMATOUS INTESTINAL. Identifiers: MedGen C2713442, MONDO:0021056, OMIM 175100. Disease mechanism: loss of function.
Hereditary cancer-predisposing syndrome. Also called: Tumor predisposition; Neoplastic Syndromes, Hereditary; Hereditary Cancer Syndrome; Hereditary neoplastic syndrome. Identifiers: Orphanet 140162, MedGen C0027672, MeSH D009386, MONDO:0015356.

Submissions (2):

Ambry Genetics
Classification: Uncertain significance for Hereditary cancer-predisposing syndrome. Last evaluated: 2025-05-05. Review status: criteria provided, single submitter. Criteria: Ambry Variant Classification Scheme 2023. Collection method: clinical testing. Allele origin: germline.
Comment: The p.F2784C variant (also known as c.8351T>G), located in coding exon 15 of the APC gene, results from a T to G substitution at nucleotide position 8351. The phenylalanine at codon 2784 is replaced by cysteine, an amino acid with highly dissimilar properties. This amino acid position is highly conserved in available vertebrate species. In addition, in silico predictors for this gene do not accurately predict pathogenicity. Missense alterations in APC are not a common cause of disease (Spier I et al. Genet Med. 2024 Feb;26(2):100992). Based on the available evidence, the clinical significance of this variant remains unclear.

Labcorp Genetics (formerly Invitae), Labcorp
Classification: Uncertain significance for Familial adenomatous polyposis 1. Last evaluated: 2024-03-21. Review status: criteria provided, single submitter. Criteria: Invitae Variant Classification Sherloc (09022015). Collection method: clinical testing. Allele origin: germline.
Comment: This sequence change replaces phenylalanine, which is neutral and non-polar, with cysteine, which is neutral and slightly polar, at codon 2784 of the APC protein (p.Phe2784Cys). This variant is not present in population databases (gnomAD no frequency). This variant has not been reported in the literature in individuals affected with APC-related conditions. Advanced modeling of protein sequence and biophysical properties (such as structural, functional, and spatial information, amino acid conservation, physicochemical variation, residue mobility, and thermodynamic stability) performed at Invitae indicates that this missense variant is not expected to disrupt APC protein function with a negative predictive value of 95%. In summary, the available evidence is currently insufficient to determine the role of this variant in disease. Therefore, it has been classified as a Variant of Uncertain Significance.

NM_000038.6(APC):c.8351T>G (p.Phe2784Cys)

Gene: APC (APC regulator of Wnt signaling pathway; plus strand). Cytogenetic location: 5q22.2.
Variant type: single nucleotide variant.
Coding change: c.8351T>G on transcript NM_000038.6 (MANE Select); coding-DNA position 8351, T replaced by G.
Protein change: p.Phe2784Cys; replaces phenylalanine 2784 with cysteine.
Molecular consequence: missense variant. On other transcripts: non-coding transcript variant (2).
Genome position (GRCh38, 1-based): chr5:112,843,945, T>G. VCF-style: chr5-112843945-T-G. GRCh37 (hg19) VCF-style: chr5-112179642-T-G.
Other names: c.8351T>G, p.Phe2784Cys (NM_001127510.3, NM_001354895.2, NM_001407450.1); c.8297T>G, p.Phe2766Cys (NM_001127511.3); c.8405T>G, p.Phe2802Cys (NM_001354896.2, NM_001407447.1, NM_001407448.1 and 1 more transcripts); c.8381T>G, p.Phe2794Cys (NM_001354897.2); c.8276T>G, p.Phe2759Cys (NM_001354898.2); c.8267T>G, p.Phe2756Cys (NM_001354899.2); c.8228T>G, p.Phe2743Cys (NM_001354900.2); c.8174T>G, p.Phe2725Cys (NM_001354901.2, NM_001407453.1); and 12 more; short protein forms F2743C, F2756C, F2774C, F2400C, F2501C, F2683C, F2725C, F2777C.
Identifiers: ClinVar variation 3700258 (VCV003700258.3).
Genomic context (GRCh38, chr5:112,843,945, plus strand): 5'-CTAGCAGCTCAAGCAAACACAGTTCACCTAGTGGGACTGTTGCTGCCAGAGTGACTCCTT[T>G]TAATTACAACCCAAGCCCTAGGAAAAGCAGCGCAGATAGCACTTCAGCTCGGCCATCTCA-3'
Protein context (NP_000029.2, residues 2774-2794): SGTVAARVTP[Phe2784Cys]NYNPSPRKSS